The following is an entry in ClinVar:

ClinVar aggregate classification (germline): Uncertain significance (1 of 4 stars; one submission).

Submission:

Labcorp Genetics (formerly Invitae), Labcorp
Classification: Uncertain significance. Last evaluated: 2019-07-26. Review status: criteria provided, single submitter. Criteria: Invitae Variant Classification Sherloc (09022015). Collection method: clinical testing. Allele origin: germline.
Comment: This sequence change replaces glutamic acid with lysine at codon 323 of the GALNT12 protein (p.Glu323Lys). The glutamic acid residue is moderately conserved and there is a small physicochemical difference between glutamic acid and lysine. In summary, the available evidence is currently insufficient to determine the role of this variant in disease. Therefore, it has been classified as a Variant of Uncertain Significance. Algorithms developed to predict the effect of missense changes on protein structure and function are either unavailable or do not agree on the potential impact of this missense change (SIFT: "Deleterious"; PolyPhen-2: "Benign"; Align-GVGD: "Class C0"). This variant has not been reported in the literature in individuals with GALNT12-related conditions. This variant is not present in population databases (ExAC no frequency).

NM_024642.5(GALNT12):c.967G>A (p.Glu323Lys)

Gene: GALNT12 (polypeptide N-acetylgalactosaminyltransferase 12; plus strand). Cytogenetic location: 9q22.33.
Variant type: single nucleotide variant.
Coding change: c.967G>A on transcript NM_024642.5 (MANE Select); coding-DNA position 967, G replaced by A.
Protein change: p.Glu323Lys; replaces glutamic acid 323 with lysine.
Molecular consequence: missense variant.
Genome position (GRCh38, 1-based): chr9:98,835,298, G>A. VCF-style: chr9-98835298-G-A. GRCh37 (hg19) VCF-style: chr9-101597580-G-A.
Other names: short protein forms E323K.
Identifiers: ClinVar variation 933394 (VCV000933394.9), dbSNP rs1836111722, ClinGen allele CA374219420.